The following is an entry in ClinVar:

NM_004168.4(SDHA):c.-1del

Gene: SDHA (succinate dehydrogenase complex flavoprotein subunit A; plus strand). Cytogenetic location: 5p15.33.
Variant type: Deletion.
Coding change: c.-1del on transcript NM_004168.4 (MANE Select); 1 bases upstream of the start codon, one base deleted (C; older notation c.-1delC).
Molecular consequence: 5 prime UTR variant.
Genome position (GRCh38, 1-based): chr5:218,355, C deleted. VCF-style (leftmost placement, unchanged base first): chr5-218354-AC-A. GRCh37 (hg19) VCF-style: chr5-218469-AC-A.
Other names: c.-1del (NM_001294332.2, NM_001330758.2).
Identifiers: ClinVar variation 1784203 (VCV001784203.2), dbSNP rs1291908884, ClinGen allele CA808819239.

ClinVar aggregate classification (germline): Uncertain significance (1 of 4 stars; one submission).

Conditions:
Hereditary cancer-predisposing syndrome. Also called: Neoplastic Syndromes, Hereditary; Tumor predisposition; Hereditary Cancer Syndrome; Hereditary neoplastic syndrome. Identifiers: Orphanet 140162, MedGen C0027672, MeSH D009386, MONDO:0015356.

Allele frequency attached by ClinVar (database versions not stated): TOPMed 0.00002.

Submission:

Ambry Genetics
Classification: Uncertain significance for Hereditary cancer-predisposing syndrome. Last evaluated: 2021-02-05. Review status: criteria provided, single submitter. Criteria: Ambry Variant Classification Scheme 2023. Collection method: clinical testing. Allele origin: germline.
Comment: The c.-1delC variant is located in the 5' untranslated region (5&rsquo;UTR) of the SDHA gene. This variant results from a single nucleotide deletion one nucleotide upstream from the first translated codon. This nucleotide position is not well conserved in available vertebrate species. Since supporting evidence is limited at this time, the clinical significance of this alteration remains unclear.